The following is an entry in ClinVar:

NM_000059.4(BRCA2):c.2537C>G (p.Ser846Ter)

Gene: BRCA2 (BRCA2 DNA repair associated; plus strand). Cytogenetic location: 13q13.1.
Variant type: single nucleotide variant.
Coding change: c.2537C>G on transcript NM_000059.4 (MANE Select); coding-DNA position 2537, C replaced by G.
Protein change: p.Ser846Ter; replaces serine 846 with a stop codon.
Molecular consequence: nonsense.
Genome position (GRCh38, 1-based): chr13:32,336,892, C>G. VCF-style: chr13-32336892-C-G. GRCh37 (hg19) VCF-style: chr13-32911029-C-G.
Other names: 2765C>G; short protein forms S846*.
Identifiers: ClinVar variation 51301 (VCV000051301.16), dbSNP rs80358518, ClinGen allele CA015578.

ClinVar aggregate classification (germline): Pathogenic. Review status: reviewed by expert panel (3 of 4 stars). 6 submissions from 6 submitters: Pathogenic (1). 5 of the submissions do not count toward it. Last evaluated 2016-04-22.

Conditions:
Hereditary breast ovarian cancer syndrome. Also called: Hereditary breast and ovarian cancer syndrome; Hereditary breast and ovarian cancer; Hereditary breast and ovarian cancer syndrome (HBOC); Breast and ovarian cancer; Hereditary breast and/or ovarian cancer syndrome; BRCA1- and BRCA2-Associated Hereditary Breast and Ovarian Cancer. Identifiers: Orphanet 145, MedGen C0677776, MeSH D061325, MONDO:0003582. Disease mechanism: loss of function.
Hereditary cancer-predisposing syndrome. Also called: Neoplastic Syndromes, Hereditary; Tumor predisposition; Hereditary Cancer Syndrome; Hereditary neoplastic syndrome. Identifiers: Orphanet 140162, MedGen C0027672, MeSH D009386, MONDO:0015356.
Breast-ovarian cancer, familial, susceptibility to, 2 (BROVCA2). Also called: BRCA2 Hereditary Breast and Ovarian Cancer. Identifiers: Orphanet 145, MedGen C2675520, MONDO:0012933, OMIM 612555. Disease mechanism: loss of function.
Familial cancer of breast. Also called: BREAST CANCER, FAMILIAL; Hereditary breast cancer; hereditary breast carcinoma. Identifiers: Orphanet 227535, MedGen C0346153, MONDO:0016419, OMIM 114480. Disease mechanism: loss of function.

Submissions (6):

Evidence-based Network for the Interpretation of Germline Mutant Alleles (ENIGMA)
Classification: Pathogenic for Breast-ovarian cancer, familial, susceptibility to, 2. Last evaluated: 2016-04-22. Review status: reviewed by expert panel. Criteria: ENIGMA BRCA1/2 Classification Criteria (2015). Collection method: curation. Allele origin: germline.
Comment: Variant allele predicted to encode a truncated non-functional protein.

Ambry Genetics
Classification: Pathogenic for Hereditary cancer-predisposing syndrome. Last evaluated: 2025-07-24. Review status: criteria provided, single submitter. Criteria: Ambry Variant Classification Scheme 2023. Collection method: clinical testing. Allele origin: germline. Not counted in ClinVar's aggregate classification.
Comment: The p.S846* pathogenic mutation (also known as c.2537C>G), located in coding exon 10 of the BRCA2 gene, results from a C to G substitution at nucleotide position 2537. This changes the amino acid from a serine to a stop codon within coding exon 10. This variant is considered to be rare based on population cohorts in the Genome Aggregation Database (gnomAD). This alteration is expected to result in loss of function by premature protein truncation or nonsense-mediated mRNA decay. As such, this alteration is interpreted as a disease-causing mutation.

Labcorp Genetics (formerly Invitae), Labcorp
Classification: Pathogenic for Hereditary breast ovarian cancer syndrome. Last evaluated: 2024-10-31. Review status: criteria provided, single submitter. Criteria: Invitae Variant Classification Sherloc (09022015). Collection method: clinical testing. Allele origin: germline. Not counted in ClinVar's aggregate classification.
Comment: This sequence change creates a premature translational stop signal (p.Ser846*) in the BRCA2 gene. It is expected to result in an absent or disrupted protein product. Loss-of-function variants in BRCA2 are known to be pathogenic (PMID: 20104584). This variant is not present in population databases (gnomAD no frequency). This premature translational stop signal has been observed in individual(s) with a personal and/or family history of breast and/or ovarian cancer (PMID: 29446198). ClinVar contains an entry for this variant (Variation ID: 51301). For these reasons, this variant has been classified as Pathogenic.

Baylor Genetics
Classification: Pathogenic for Familial cancer of breast. Last evaluated: 2022-08-16. Review status: criteria provided, single submitter. Criteria: ACMG Guidelines, 2015. Collection method: clinical testing. Allele origin: unknown. Not counted in ClinVar's aggregate classification.

Consortium of Investigators of Modifiers of BRCA1/2 (CIMBA), c/o University of Cambridge
Classification: Pathogenic for Breast-ovarian cancer, familial, susceptibility to, 2. Last evaluated: 2015-10-02. Review status: criteria provided, single submitter. Criteria: CIMBA Mutation Classification guidelines May 2016. Collection method: clinical testing. Allele origin: germline. Not counted in ClinVar's aggregate classification.

Breast Cancer Information Core (BIC) (BRCA2)
Classification: Pathogenic for Breast-ovarian cancer, familial 2. Review status: no assertion criteria provided. Collection method: clinical testing. Allele origin: germline. Affected: yes. Observed: 1 variant allele. Not counted in ClinVar's aggregate classification.

Literature cited by the submitters: PubMed 20104584 (cited by Labcorp Genetics (formerly Invitae), Labcorp); PubMed 29446198 (cited by Labcorp Genetics (formerly Invitae), Labcorp).